The following is an entry in ClinVar:

NM_001037.5(SCN1B):c.448+45G>A

Gene: SCN1B (sodium voltage-gated channel beta subunit 1; plus strand). Cytogenetic location: 19q13.11.
Variant type: single nucleotide variant.
Coding change: c.448+45G>A on transcript NM_001037.5 (MANE Select); 45 bases into the intron after coding-DNA position 448, G replaced by A.
Molecular consequence: intron variant. On other transcripts: missense variant (1).
Genome position (GRCh38, 1-based): chr19:35,033,784, G>A. VCF-style: chr19-35033784-G-A. GRCh37 (hg19) VCF-style: chr19-35524688-G-A.
Other names: p.A165T:GCC>ACC; c.493G>A, p.Ala165Thr (NM_199037.5); c.349+45G>A (NM_001321605.2); short protein forms A165T.
Identifiers: ClinVar variation 190863 (VCV000190863.8), dbSNP rs762453360, ClinGen allele CA302161.

ClinVar aggregate classification (germline): Uncertain significance. Review status: criteria provided, multiple submitters, no conflicts (2 of 4 stars). 2 submissions from 2 submitters: Uncertain significance (2). Last evaluated 2026-01-19.

Conditions:
Brugada syndrome 5 (BRGDA5). Identifiers: Orphanet 130, Orphanet 871, MedGen C2748541, MONDO:0013015, OMIM 612838.

Allele frequency attached by ClinVar (database versions not stated): ExAC 0.00001; gnomAD 0.00001; gnomAD exomes 0.00001; TOPMed 0.00001.

Submissions (2):

Labcorp Genetics (formerly Invitae), Labcorp
Classification: Uncertain significance for Brugada syndrome 5. Last evaluated: 2026-01-19. Review status: criteria provided, single submitter. Criteria: Invitae Variant Classification Sherloc (09022015). Collection method: clinical testing. Allele origin: germline.
Comment: This sequence change replaces alanine, which is neutral and non-polar, with threonine, which is neutral and polar, at codon 165 of the SCN1B protein (p.Ala165Thr). This variant is present in population databases (rs762453360, gnomAD 0.006%). This variant has not been reported in the literature in individuals affected with SCN1B-related conditions. ClinVar contains an entry for this variant (Variation ID: 190863). An algorithm developed to predict the effect of missense changes on protein structure and function outputs the following: PolyPhen-2: "Possibly Damaging". The threonine amino acid residue is found in multiple mammalian species, which suggests that this missense change does not adversely affect protein function. In summary, the available evidence is currently insufficient to determine the role of this variant in disease. Therefore, it has been classified as a Variant of Uncertain Significance.

GeneDx
Classification: Uncertain significance. Last evaluated: 2025-05-29. Review status: criteria provided, single submitter. Criteria: GeneDx Variant Classification Process June 2021. Collection method: clinical testing. Allele origin: germline. Affected: yes.
Comment: Has not been previously published as pathogenic or benign to our knowledge; Not observed at significant frequency in large population cohorts (gnomAD); In silico analysis suggests that this variant does not alter splicing; Reported using an alternate transcript of the gene